The following is an entry in ClinVar:

ClinVar aggregate classification (germline): Uncertain significance (1 of 4 stars; one submission).

Conditions:
Hereditary cancer-predisposing syndrome. Also called: Hereditary neoplastic syndrome; Neoplastic Syndromes, Hereditary; Tumor predisposition; Hereditary Cancer Syndrome. Identifiers: Orphanet 140162, MedGen C0027672, MeSH D009386, MONDO:0015356.

gnomAD v4.1: 1 of 1,614,216 alleles (0.000062%); highest among the groups gnomAD compares: Non-Finnish European, 0.000085%; no homozygotes.

Submission:

Ambry Genetics
Classification: Uncertain significance for Hereditary cancer-predisposing syndrome. Last evaluated: 2025-08-27. Review status: criteria provided, single submitter. Criteria: Ambry Variant Classification Scheme 2023. Collection method: clinical testing. Allele origin: germline.
Comment: The p.D124H variant (also known as c.370G>C), located in coding exon 4 of the MUTYH gene, results from a G to C substitution at nucleotide position 370. The aspartic acid at codon 124 is replaced by histidine, an amino acid with similar properties. This amino acid position is conserved. In addition, the in silico prediction for this alteration is inconclusive. Based on the available evidence, the clinical significance of this variant remains unclear.

NM_001048174.2(MUTYH):c.286G>C (p.Asp96His)

Gene: MUTYH (mutY DNA glycosylase; minus strand). Cytogenetic location: 1p34.1.
Variant type: single nucleotide variant.
Coding change: c.286G>C on transcript NM_001048174.2 (MANE Select); coding-DNA position 286, G replaced by C.
Protein change: p.Asp96His; replaces aspartic acid 96 with histidine.
Molecular consequence: missense variant. On other transcripts: non-coding transcript variant (7).
Genome position (GRCh38, 1-based): chr1:45,333,303, C>G on the plus strand (G>C on the coding strand, the complement: MUTYH is on the minus strand). VCF-style: chr1-45333303-C-G. GRCh37 (hg19) VCF-style: chr1-45798975-C-G.
Other names: c.286G>C, p.Asp96His (NM_001048171.2, NM_001048173.2, NM_001293195.2 and 6 more transcripts); c.289G>C, p.Asp97His (NM_001048172.2, NM_001407071.1, NM_001407078.1 and 2 more transcripts); c.370G>C, p.Asp124His (NM_001128425.2); c.331G>C, p.Asp111His (NM_001293190.2); c.319G>C, p.Asp107His (NM_001293191.2, NM_001407077.1); c.10G>C, p.Asp4His (NM_001293192.2, NM_001293196.2, NM_001407091.1); c.15G>C, p.Trp5Cys (NM_001350650.2, NM_001350651.2, NM_001407082.1); c.361G>C, p.Asp121His (NM_001407069.1, NM_012222.3); and 3 more; short protein forms D121H, D124H, D68H, D96H, W5C, D103H, D107H, D110H.
Identifiers: ClinVar variation 4113638 (VCV004113638.1).